The following is an entry in ClinVar:

ClinVar aggregate classification (germline): Uncertain significance (1 of 4 stars; one submission).

Allele frequency attached by ClinVar (database versions not stated): gnomAD 0.00001; gnomAD exomes 0.00001; TOPMed 0.00001.
gnomAD v4.1: 16 of 1,564,778 alleles (0.001%); highest among the groups gnomAD compares: African/African-American, 0.0028%; no homozygotes.

Submission:

CeGaT Center for Human Genetics Tuebingen
Classification: Uncertain significance. Last evaluated: 2022-08-01. Review status: criteria provided, single submitter. Criteria: CeGaT Center For Human Genetics Tuebingen Variant Classification Criteria Version 2. Collection method: clinical testing. Allele origin: germline. Affected: yes. Observed: 1 variant allele.
Comment: PPFIA2: PP2

NM_003625.5(PPFIA2):c.256G>A (p.Glu86Lys)

Gene: PPFIA2 (PPFI scaffold protein A2; minus strand). Cytogenetic location: 12q21.31.
Variant type: single nucleotide variant.
Coding change: c.256G>A on transcript NM_003625.5 (MANE Select); coding-DNA position 256, G replaced by A.
Protein change: p.Glu86Lys; replaces glutamic acid 86 with lysine.
Molecular consequence: missense variant. On other transcripts: intron variant (1).
Genome position (GRCh38, 1-based): chr12:81,676,838, C>T on the plus strand (G>A on the coding strand, the complement: PPFIA2 is on the minus strand). VCF-style: chr12-81676838-C-T. GRCh37 (hg19) VCF-style: chr12-82070617-C-T.
Other names: c.256G>A, p.Glu86Lys (NM_001220473.3, NM_001220475.2, NM_001220476.2); c.249+77135G>A (NM_001220474.3); short protein forms E86K.
Identifiers: ClinVar variation 2643201 (VCV002643201.24), dbSNP rs1040334825, ClinGen allele CA240794912.